The following is an entry in ClinVar:

NM_080680.3(COL11A2):c.45T>G (p.Pro15=)

Gene: COL11A2 (collagen type XI alpha 2 chain; minus strand). Cytogenetic location: 6p21.32.
Variant type: single nucleotide variant.
Coding change: c.45T>G on transcript NM_080680.3 (MANE Select); coding-DNA position 45, T replaced by G.
Protein change: p.Pro15=; no amino-acid change (proline 15 retained).
Molecular consequence: synonymous variant. On other transcripts: intron variant (1).
Genome position (GRCh38, 1-based): chr6:33,192,196, A>C on the plus strand (T>G on the coding strand, the complement: COL11A2 is on the minus strand). VCF-style: chr6-33192196-A-C. GRCh37 (hg19) VCF-style: chr6-33159973-A-C.
Other names: c.45T>G, p.Pro15= (NM_001163771.2, NM_001424108.1, NM_080679.3 and 1 more transcripts); c.-765+829T>G (NM_001424111.1); c.45T>G (NM_080680.2).
Identifiers: ClinVar variation 2999974 (VCV002999974.5), dbSNP rs1222112257, ClinGen allele CA449853463.

ClinVar aggregate classification (germline): Likely benign. Review status: criteria provided, single submitter (1 of 4 stars). 2 submissions from 2 submitters: Likely benign (1). 1 of the submissions does not count toward it. Last evaluated 2023-02-14.

Conditions:
COL11A2-related disorder. Also called: COL11A2-related condition; COL11A2-related disorders.

Allele frequency attached by ClinVar (database versions not stated): gnomAD 0.00001.
gnomAD v4.1: 1 of 1,566,390 alleles (0.000064%); highest among the groups gnomAD compares: African/African-American, 0.0013%; no homozygotes.

Submissions (2):

Labcorp Genetics (formerly Invitae), Labcorp
Classification: Likely benign. Last evaluated: 2023-02-14. Review status: criteria provided, single submitter. Criteria: Invitae Variant Classification Sherloc (09022015). Collection method: clinical testing. Allele origin: germline.

PreventionGenetics, part of Exact Sciences
Classification: Likely benign for COL11A2-related condition. Last evaluated: 2023-01-20. Review status: no assertion criteria provided. Collection method: clinical testing. Allele origin: germline. Not counted in ClinVar's aggregate classification.
Comment: This variant is classified as likely benign based on ACMG/AMP sequence variant interpretation guidelines (Richards et al. 2015 PMID: 25741868, with internal and published modifications).